The following is an entry in ClinVar:

NM_001291303.3(FAT4):c.10910C>T (p.Ser3637Phe)

Gene: FAT4 (FAT atypical cadherin 4; plus strand). Cytogenetic location: 4q28.1.
Variant type: single nucleotide variant.
Coding change: c.10910C>T on transcript NM_001291303.3 (MANE Select); coding-DNA position 10910, C replaced by T.
Protein change: p.Ser3637Phe; replaces serine 3637 with phenylalanine.
Molecular consequence: missense variant.
Genome position (GRCh38, 1-based): chr4:125,451,920, C>T. VCF-style: chr4-125451920-C-T. GRCh37 (hg19) VCF-style: chr4-126373075-C-T.
Other names: c.10910C>T, p.Ser3637Phe (NM_001291285.3); c.10904C>T, p.Ser3635Phe (NM_024582.6); c.10904C>T (NM_024582.4); short protein forms S3635F, S3637F.
Identifiers: ClinVar variation 1478211 (VCV001478211.7), dbSNP rs1332535204, ClinGen allele CA358160110.

ClinVar aggregate classification (germline): Uncertain significance. Review status: criteria provided, multiple submitters, no conflicts (2 of 4 stars). 2 submissions from 2 submitters: Uncertain significance (2). Last evaluated 2022-10-28.

Allele frequency attached by ClinVar (database versions not stated): gnomAD exomes below 0.00001.
gnomAD v4.1: 2 of 1,614,090 alleles (0.00012%); highest among the groups gnomAD compares: Admixed American, 0.0017%; no homozygotes.

Submissions (2):

GeneDx
Classification: Uncertain significance. Last evaluated: 2022-10-28. Review status: criteria provided, single submitter. Criteria: GeneDx Variant Classification Process June 2021. Collection method: clinical testing. Allele origin: germline. Affected: yes.
Comment: Not observed at significant frequency in large population cohorts (gnomAD); In silico analysis supports that this missense variant has a deleterious effect on protein structure/function; Has not been previously published as pathogenic or benign to our knowledge

Labcorp Genetics (formerly Invitae), Labcorp
Classification: Uncertain significance. Last evaluated: 2021-07-02. Review status: criteria provided, single submitter. Criteria: Invitae Variant Classification Sherloc (09022015). Collection method: clinical testing. Allele origin: germline.
Comment: Advanced modeling of protein sequence and biophysical properties (such as structural, functional, and spatial information, amino acid conservation, physicochemical variation, residue mobility, and thermodynamic stability) performed at Invitae indicates that this missense variant is not expected to disrupt FAT4 protein function. This variant has not been reported in the literature in individuals affected with FAT4-related conditions. This variant is not present in population databases (ExAC no frequency). This sequence change replaces serine with phenylalanine at codon 3635 of the FAT4 protein (p.Ser3635Phe). The serine residue is moderately conserved and there is a large physicochemical difference between serine and phenylalanine. In summary, the available evidence is currently insufficient to determine the role of this variant in disease. Therefore, it has been classified as a Variant of Uncertain Significance.